The following is an entry in ClinVar:

ClinVar aggregate classification (germline): Uncertain significance (1 of 4 stars; one submission).

Conditions:
Perlman syndrome (PRLMNS). Identifiers: Orphanet 2849, MedGen C0796113, MONDO:0009965, OMIM 267000.

Allele frequency attached by ClinVar (database versions not stated): TOPMed below 0.00001.

Submission:

Labcorp Genetics (formerly Invitae), Labcorp
Classification: Uncertain significance for Perlman syndrome. Last evaluated: 2017-06-21. Review status: criteria provided, single submitter. Criteria: Invitae Variant Classification Sherloc (09022015). Collection method: clinical testing. Allele origin: germline.
Comment: This sequence change replaces serine with arginine at codon 883 of the DIS3L2 protein (p.Ser883Arg). The serine residue is weakly conserved and there is a moderate physicochemical difference between serine and arginine. This variant is not present in population databases (ExAC no frequency). In summary, the available evidence is currently insufficient to determine the role of this variant in disease. Therefore, it has been classified as a Variant of Uncertain Significance. This variant has not been reported in the literature in individuals with DIS3L2-related disease.

NM_152383.5(DIS3L2):c.2649C>G (p.Ser883Arg)

Gene: DIS3L2 (DIS3 like 3'-5' exoribonuclease 2; plus strand). Cytogenetic location: 2q37.1.
Variant type: single nucleotide variant.
Coding change: c.2649C>G on transcript NM_152383.5 (MANE Select); coding-DNA position 2649, C replaced by G.
Protein change: p.Ser883Arg; replaces serine 883 with arginine.
Molecular consequence: missense variant. On other transcripts: non-coding transcript variant (2), intron variant (1).
Genome position (GRCh38, 1-based): chr2:232,336,621, C>G. VCF-style: chr2-232336621-C-G. GRCh37 (hg19) VCF-style: chr2-233201331-C-G.
Other names: c.1582-6724C>G (NM_001257281.2); short protein forms S883R.
Identifiers: ClinVar variation 463114 (VCV000463114.8), dbSNP rs1553552367, ClinGen allele CA350979147.